The following is an entry in ClinVar:

ClinVar aggregate classification (germline): Likely benign (1 of 4 stars; one submission).

Submission:

CeGaT Center for Human Genetics Tuebingen
Classification: Likely benign. Last evaluated: 2025-05-01. Review status: criteria provided, single submitter. Criteria: CeGaT Center For Human Genetics Tuebingen Variant Classification Criteria Version 2. Collection method: clinical testing. Allele origin: germline. Affected: yes. Observed: 2 variant alleles.
Comment: MOG: BP4, BP7

NM_206809.4(MOG):c.336C>T (p.Leu112=)

Gene: MOG (myelin oligodendrocyte glycoprotein; plus strand). Cytogenetic location: 6p22.1.
Variant type: single nucleotide variant.
Coding change: c.336C>T on transcript NM_206809.4 (MANE Select); coding-DNA position 336, C replaced by T.
Protein change: p.Leu112=; no amino-acid change (leucine 112 retained).
Molecular consequence: synonymous variant. On other transcripts: intron variant (2).
Genome position (GRCh38, 1-based): chr6:29,659,566, C>T. VCF-style: chr6-29659566-C-T. GRCh37 (hg19) VCF-style: chr6-29627343-C-T.
Other names: c.336C>T, p.Leu112= (NM_001008228.3, NM_001008229.3, NM_001363610.2 and 4 more transcripts); c.88+2269C>T (NM_001170418.2, NM_206814.6).
Identifiers: ClinVar variation 3257658 (VCV003257658.17).